The following is an entry in ClinVar:

ClinVar aggregate classification (germline): Benign/Likely benign. Review status: criteria provided, multiple submitters, no conflicts (2 of 4 stars). 3 submissions from 3 submitters: Benign (1); Likely benign (2). Last evaluated 2025-01-07.

Conditions:
Familial adenomatous polyposis 1 (FAP1). Also called: POLYPOSIS, ADENOMATOUS INTESTINAL; FAMILIAL ADENOMATOUS POLYPOSIS 1, ATTENUATED. Identifiers: MedGen C2713442, MONDO:0021056, OMIM 175100. Disease mechanism: loss of function.
Hereditary cancer-predisposing syndrome. Also called: Neoplastic Syndromes, Hereditary; Tumor predisposition; Hereditary neoplastic syndrome; Hereditary Cancer Syndrome. Identifiers: Orphanet 140162, MedGen C0027672, MeSH D009386, MONDO:0015356.

Submissions (3):

Labcorp Genetics (formerly Invitae), Labcorp
Classification: Likely benign for Familial adenomatous polyposis 1. Last evaluated: 2025-01-07. Review status: criteria provided, single submitter. Criteria: Invitae Variant Classification Sherloc (09022015). Collection method: clinical testing. Allele origin: germline.

Myriad Genetics, Inc.
Classification: Benign for Familial adenomatous polyposis 1. Last evaluated: 2024-03-18. Review status: criteria provided, single submitter. Criteria: Myriad Autosomal Dominant, Autosomal Recessive and X-Linked Classification Criteria (2023). Collection method: clinical testing. Allele origin: unknown.
Comment: This variant is considered benign. This variant is a silent/synonymous amino acid change and it is not expected to impact splicing.

Ambry Genetics
Classification: Likely benign for Hereditary cancer-predisposing syndrome. Last evaluated: 2023-11-14. Review status: criteria provided, single submitter. Criteria: Ambry Variant Classification Scheme 2023. Collection method: clinical testing. Allele origin: germline.

NM_000038.6(APC):c.3372T>C (p.Asn1124=)

Gene: APC (APC regulator of Wnt signaling pathway; plus strand). Cytogenetic location: 5q22.2.
Variant type: single nucleotide variant.
Coding change: c.3372T>C on transcript NM_000038.6 (MANE Select); coding-DNA position 3372, T replaced by C.
Protein change: p.Asn1124=; no amino-acid change (asparagine 1124 retained).
Molecular consequence: synonymous variant. On other transcripts: non-coding transcript variant (2).
Genome position (GRCh38, 1-based): chr5:112,838,966, T>C. VCF-style: chr5-112838966-T-C. GRCh37 (hg19) VCF-style: chr5-112174663-T-C.
Other names: c.3351T>C, p.Asn1117= (NM_001407451.1); c.3342T>C, p.Asn1114= (NM_001407452.1); c.3195T>C, p.Asn1065= (NM_001407453.1, NM_001354901.2); c.3123T>C, p.Asn1041= (NM_001407456.1, NM_001407457.1, NM_001407454.1 and 1 more transcripts); c.3069T>C, p.Asn1023= (NM_001407458.1, NM_001354903.2, NM_001407459.1 and 1 more transcripts); c.3372T>C, p.Asn1124= (NM_001127510.3, NM_001354895.2, NM_001407450.1); c.3318T>C, p.Asn1106= (NM_001127511.3); c.3426T>C, p.Asn1142= (NM_001354896.2, NM_001407447.1, NM_001407448.1 and 1 more transcripts); and 12 more.
Identifiers: ClinVar variation 3148782 (VCV003148782.3), dbSNP rs1345898742, ClinGen allele CA445963764.
Genomic context (GRCh38, chr5:112,838,966, plus strand): 5'-ACGGGGAGCCAATGGTTCAGAAACAAATCGAGTGGGTTCTAATCATGGAATTAATCAAAA[T>C]GTAAGCCAGTCTTTGTGTCAAGAAGATGACTATGAAGATGATAAGCCTACCAATTATAGT-3'
Protein context (NP_000029.2, residues 1114-1134): RVGSNHGINQ[Asn1124=]VSQSLCQEDD